The following is an entry in ClinVar:

ClinVar aggregate classification (germline): Conflicting classifications of pathogenicity. Review status: criteria provided, conflicting classifications (1 of 4 stars). 3 submissions from 3 submitters: Uncertain significance (1); Likely benign (1). 1 of the submissions does not count toward it. Last evaluated 2025-01-01.

Conditions:
Hydatidiform mole, recurrent, 1 (HYDM1). Identifiers: Orphanet 254688, Orphanet 99927, MedGen C3463897, MONDO:0009273, OMIM 231090. Disease mechanism: loss of function.
NLRP7-related disorder. Also called: NLRP7-related condition.

Submissions (3):

CeGaT Center for Human Genetics Tuebingen
Classification: Likely benign. Last evaluated: 2025-01-01. Review status: criteria provided, single submitter. Criteria: CeGaT Center For Human Genetics Tuebingen Variant Classification Criteria Version 2. Collection method: clinical testing. Allele origin: germline. Affected: yes. Observed: 1 variant allele.
Comment: NLRP7: BP4, BP7

Illumina Laboratory Services, Illumina
Classification: Uncertain significance for Hydatidiform mole, recurrent, 1. Last evaluated: 2018-01-13. Review status: criteria provided, single submitter. Criteria: ICSL Variant Classification Criteria 13 December 2019. Collection method: clinical testing. Allele origin: germline.

PreventionGenetics, part of Exact Sciences
Classification: Likely benign for NLRP7-related condition. Last evaluated: 2019-03-12. Review status: no assertion criteria provided. Collection method: clinical testing. Allele origin: germline. Not counted in ClinVar's aggregate classification.
Comment: This variant is classified as likely benign based on ACMG/AMP sequence variant interpretation guidelines (Richards et al. 2015 PMID: 25741868, with internal and published modifications).

NM_001127255.2(NLRP7):c.1149G>A (p.Pro383=)

Gene: NLRP7 (NLR family pyrin domain containing 7; minus strand). Cytogenetic location: 19q13.42.
Variant type: single nucleotide variant.
Coding change: c.1149G>A on transcript NM_001127255.2 (MANE Select); coding-DNA position 1149, G replaced by A.
Protein change: p.Pro383=; no amino-acid change (proline 383 retained).
Molecular consequence: synonymous variant.
Genome position (GRCh38, 1-based): chr19:54,939,670, C>T on the plus strand (G>A on the coding strand, the complement: NLRP7 is on the minus strand). VCF-style: chr19-54939670-C-T. GRCh37 (hg19) VCF-style: chr19-55451038-C-T.
Other names: c.1149G>A, p.Pro383= (NM_001405531.1, NM_139176.4, NM_206828.4).
Identifiers: ClinVar variation 892830 (VCV000892830.21), dbSNP rs752268912, ClinGen allele CA310018435.